The following is an entry in ClinVar:

ClinVar aggregate classification (germline): Uncertain significance (1 of 4 stars; one submission).

gnomAD v4.1: 4 of 1,612,882 alleles (0.00025%); highest among the groups gnomAD compares: Non-Finnish European, 0.00034%; no homozygotes.

Submission:

Labcorp Genetics (formerly Invitae), Labcorp
Classification: Uncertain significance. Last evaluated: 2025-04-30. Review status: criteria provided, single submitter. Criteria: Invitae Variant Classification Sherloc (09022015). Collection method: clinical testing. Allele origin: germline.
Comment: This sequence change replaces proline, which is neutral and non-polar, with leucine, which is neutral and non-polar, at codon 891 of the COL7A1 protein (p.Pro891Leu). This variant is present in population databases (rs752531272, gnomAD 0.0009%). This variant has not been reported in the literature in individuals affected with COL7A1-related conditions. Invitae Evidence Modeling of protein sequence and biophysical properties (such as structural, functional, and spatial information, amino acid conservation, physicochemical variation, residue mobility, and thermodynamic stability) indicates that this missense variant is not expected to disrupt COL7A1 protein function with a negative predictive value of 95%. In summary, the available evidence is currently insufficient to determine the role of this variant in disease. Therefore, it has been classified as a Variant of Uncertain Significance.

NM_000094.4(COL7A1):c.2672C>T (p.Pro891Leu)

Gene: COL7A1 (collagen type VII alpha 1 chain; minus strand). Cytogenetic location: 3p21.31.
Variant type: single nucleotide variant.
Coding change: c.2672C>T on transcript NM_000094.4 (MANE Select); coding-DNA position 2672, C replaced by T.
Protein change: p.Pro891Leu; replaces proline 891 with leucine.
Molecular consequence: missense variant.
Genome position (GRCh38, 1-based): chr3:48,588,320, G>A on the plus strand (C>T on the coding strand, the complement: COL7A1 is on the minus strand). VCF-style: chr3-48588320-G-A. GRCh37 (hg19) VCF-style: chr3-48625753-G-A.
Other names: short protein forms P891L.
Identifiers: ClinVar variation 4801669 (VCV004801669.1).